The following is an entry in ClinVar:

NM_152564.5(VPS13B):c.4324T>A (p.Ser1442Thr)

Gene: VPS13B (vacuolar protein sorting 13 homolog B; plus strand). Cytogenetic location: 8q22.2.
Variant type: single nucleotide variant.
Coding change: c.4324T>A on transcript NM_152564.5 (MANE Select); coding-DNA position 4324, T replaced by A.
Protein change: p.Ser1442Thr; replaces serine 1442 with threonine.
Molecular consequence: missense variant.
Genome position (GRCh38, 1-based): chr8:99,511,203, T>A. VCF-style: chr8-99511203-T-A. GRCh37 (hg19) VCF-style: chr8-100523431-T-A.
Other names: c.4399T>A, p.Ser1467Thr (NM_017890.5); c.4324T>A (NM_152564.4); short protein forms S1442T, S1467T.
Identifiers: ClinVar variation 810306 (VCV000810306.55), dbSNP rs143566455, ClinGen allele CA4823517.
Genomic context (GRCh38, chr8:99,511,203, plus strand): 5'-GGATTCCTCTCTCTGACATACACAAAAGCTGTAACAAAAAATGTCCGCCACAAGTTAACA[T>A]CAAGAAATGAGCGAAGAAGTTTTCATAAGTTATCTGAAGGCCTAATGGATGGTTCTCCTC-3'
Protein context (NP_689777.3, residues 1432-1452): VTKNVRHKLT[Ser1442Thr]RNERRSFHKL

ClinVar aggregate classification (germline): Conflicting classifications of pathogenicity. Review status: criteria provided, conflicting classifications (1 of 4 stars). 7 submissions from 7 submitters: Uncertain significance (5); Likely benign (1). 1 of the submissions does not count toward it. Last evaluated 2026-01-19.

Conditions:
VPS13B-related disorder. Also called: VPS13B-related condition.
Inborn genetic diseases. Identifiers: MedGen C0950123, MeSH D030342.
Cohen syndrome (COH1). Also called: PEPPER SYNDROME; Cutis verticis gyrata, retinitis pigmentosa, and sensorineural deafness. Identifiers: Orphanet 193, MedGen C0265223, MONDO:0008999, OMIM 216550.

Allele frequency attached by ClinVar (database versions not stated): gnomAD 0.00011; TOPMed 0.00013; ESP Exome Variant Server 0.00015; ExAC 0.00017; gnomAD exomes 0.00017 and 0.00018.
gnomAD v4.1: 272 of 1,613,976 alleles (0.017%); highest among the groups gnomAD compares: Non-Finnish European, 0.02%; 1 homozygote.

Submissions (7):

Labcorp Genetics (formerly Invitae), Labcorp
Classification: Likely benign for Cohen syndrome. Last evaluated: 2026-01-19. Review status: criteria provided, single submitter. Criteria: Invitae Variant Classification Sherloc (09022015). Collection method: clinical testing. Allele origin: germline.

PreventionGenetics, part of Exact Sciences
Classification: Uncertain significance for VPS13B-related condition. Last evaluated: 2026-01-06. Review status: criteria provided, single submitter. Criteria: ACMG Guidelines, 2015. Collection method: clinical testing. Allele origin: germline.
Comment: The VPS13B c.4324T>A variant is predicted to result in the amino acid substitution p.Ser1442Thr. To our knowledge, this variant has not been reported in the literature. This variant is reported in 0.11% of alleles in individuals of Ashkenazi Jewish descent in gnomAD, which may be too frequent to be a primary cause of disease. Although we suspect that this variant may be benign, at this time, the clinical significance of this variant is uncertain due to the absence of conclusive functional and genetic evidence.

Blueprint Genetics
Classification: Uncertain significance. Last evaluated: 2024-11-07. Review status: criteria provided, single submitter. Criteria: ACMG Guidelines, 2015. Collection method: clinical testing. Allele origin: germline.

CeGaT Center for Human Genetics Tuebingen
Classification: Uncertain significance. Last evaluated: 2023-09-01. Review status: criteria provided, single submitter. Criteria: CeGaT Center For Human Genetics Tuebingen Variant Classification Criteria Version 2. Collection method: clinical testing. Allele origin: germline. Affected: yes. Observed: 3 variant alleles.
Comment: VPS13B: PM2

Ambry Genetics
Classification: Uncertain significance for Inborn genetic diseases. Last evaluated: 2022-02-14. Review status: criteria provided, single submitter. Criteria: Ambry Variant Classification Scheme 2023. Collection method: clinical testing. Allele origin: germline.

GeneDx
Classification: Uncertain significance. Last evaluated: 2021-01-25. Review status: criteria provided, single submitter. Criteria: GeneDx Variant Classification Process June 2021. Collection method: clinical testing. Allele origin: germline. Affected: yes.
Comment: In silico analysis supports that this missense variant does not alter protein structure/function; Has not been previously published as pathogenic or benign to our knowledge

Natera, Inc.
Classification: Uncertain significance for Cohen syndrome. Last evaluated: 2019-10-29. Review status: no assertion criteria provided. Collection method: clinical testing. Allele origin: germline. Not counted in ClinVar's aggregate classification.